The following is an entry in ClinVar:

ClinVar aggregate classification (germline): Uncertain significance (1 of 4 stars; one submission).

Submission:

Labcorp Genetics (formerly Invitae), Labcorp
Classification: Uncertain significance. Last evaluated: 2025-06-12. Review status: criteria provided, single submitter. Criteria: Invitae Variant Classification Sherloc (09022015). Collection method: clinical testing. Allele origin: germline.
Comment: This sequence change affects an acceptor splice site in intron 28 of the ADAMTS13 gene. While this variant is not anticipated to result in nonsense mediated decay, it likely alters RNA splicing and results in a disrupted protein product. This variant is not present in population databases (gnomAD no frequency). This variant has not been reported in the literature in individuals affected with ADAMTS13-related conditions. ClinVar contains an entry for this variant (Variation ID: 2094135). Variants that disrupt the consensus splice site are a relatively common cause of aberrant splicing (PMID: 17576681, 9536098). Algorithms developed to predict the effect of sequence changes on RNA splicing suggest that this variant may disrupt the consensus splice site. In summary, the available evidence is currently insufficient to determine the role of this variant in disease. Therefore, it has been classified as a Variant of Uncertain Significance.

Literature cited by the submitters: PubMed 17576681; PubMed 9536098.

NM_139027.6(ADAMTS13):c.3910-2A>G

Gene: ADAMTS13 (ADAM metallopeptidase with thrombospondin type 1 motif 13; plus strand). Cytogenetic location: 9q34.2.
Variant type: single nucleotide variant.
Coding change: c.3910-2A>G on transcript NM_139027.6 (MANE Select); the canonical splice acceptor site of the intron before coding-DNA position 3910, A replaced by G.
Molecular consequence: splice acceptor variant.
Genome position (GRCh38, 1-based): chr9:133,458,972, A>G. VCF-style: chr9-133458972-A-G. GRCh37 (hg19) VCF-style: chr9-136324094-A-G.
Other names: c.4078-2A>G (NM_139025.5); c.3817-2A>G (NM_139026.6).
Identifiers: ClinVar variation 2094135 (VCV002094135.4), dbSNP rs2490557272, ClinGen allele CA375419696.
Genomic context (GRCh38, chr9:133,458,972, plus strand): 5'-GCTTCCGTGAGTGCTAATTATTACTTGTGGCCGGTCCTTCTGGGCTGCCCCTTTTCTCTC[A>G]GATCCGGGACACCCACAGCTTGAGGACCACAGCGTTCCATGGGCAGCAGGTGCTCTACTG-3'